The following is an entry in ClinVar:

NM_001040436.3(YARS2):c.*230A>G

Gene: YARS2 (tyrosyl-tRNA synthetase 2; minus strand). Cytogenetic location: 12p11.21.
Variant type: single nucleotide variant.
Coding change: c.*230A>G on transcript NM_001040436.3 (MANE Select); 230 bases downstream of the stop codon, A replaced by G.
Molecular consequence: 3 prime UTR variant.
Genome position (GRCh38, 1-based): chr12:32,746,974, T>C on the plus strand (A>G on the coding strand, the complement: YARS2 is on the minus strand). VCF-style: chr12-32746974-T-C. GRCh37 (hg19) VCF-style: chr12-32899908-T-C.
Identifiers: ClinVar variation 308443 (VCV000308443.6), dbSNP rs371690622, ClinGen allele CA10632612.

ClinVar aggregate classification (germline): Likely benign (1 of 4 stars; one submission).

Conditions:
Myopathy, lactic acidosis, and sideroblastic anemia 2 (MLASA2). Identifiers: Orphanet 2598, MedGen C3150802, MONDO:0013307, OMIM 613561.

Allele frequency attached by ClinVar (database versions not stated): gnomAD 0.00001 and 0.00059; TOPMed 0.00012; gnomAD exomes 0.00174; 1000 Genomes Project 30x 0.00234; 1000 Genomes Project 0.00260.
gnomAD v4.1: 656 of 488,362 alleles (0.13%); highest among the groups gnomAD compares: South Asian, 1.6%; 14 homozygotes.

Submission:

Illumina Laboratory Services, Illumina
Classification: Likely benign for Myopathy, lactic acidosis, and sideroblastic anemia 2. Last evaluated: 2018-01-13. Review status: criteria provided, single submitter. Criteria: ICSL Variant Classification Criteria 13 December 2019. Collection method: clinical testing. Allele origin: germline.
Comment: This variant was observed in the ICSL laboratory as part of a predisposition screen in an ostensibly healthy population. It had not been previously curated by ICSL or reported in the Human Gene Mutation Database (HGMD: prior to June 1st, 2018), and was therefore a candidate for classification through an automated scoring system. Utilizing variant allele frequency, disease prevalence and penetrance estimates, and inheritance mode, an automated score was calculated to assess if this variant is too frequent to cause the disease. Based on the score and internal cut-off values, a variant classified as likely benign is not then subjected to further curation. The score for this variant resulted in a classification of likely benign for this disease.